The following is an entry in ClinVar:

ClinVar aggregate classification (germline): Likely pathogenic (1 of 4 stars; one submission).

Conditions:
Parietal foramina 2 (PFM2). Identifiers: Orphanet 60015, MedGen C1865044, MONDO:0012309, OMIM 609597.

Submission:

3billion
Classification: Likely pathogenic for Parietal foramina 2. Last evaluated: 2023-08-07. Review status: criteria provided, single submitter. Criteria: ACMG Guidelines, 2015. Collection method: clinical testing. Allele origin: germline. Affected: yes.
Comment: The variant is not observed in the gnomAD v2.1.1 dataset. Predicted Consequence/Location: Frameshift: predicted to result in a loss or disruption of normal protein function through nonsense-mediated decay (NMD) or protein truncation. Multiple pathogenic variants are reported downstream of the variant. Therefore, this variant is classified as Likely pathogenic according to the recommendation of ACMG/AMP guideline.

NM_021926.4(ALX4):c.676del (p.Leu226fs)

Gene: ALX4 (ALX homeobox 4; minus strand). Cytogenetic location: 11p11.2.
Variant type: Deletion.
Coding change: c.676del on transcript NM_021926.4 (MANE Select); coding-DNA position 676, one base deleted (C; older notation c.676delC).
Protein change: p.Leu226fs; shifts the reading frame from leucine 226.
Molecular consequence: frameshift variant.
Genome position (GRCh38, 1-based): chr11:44,275,449, G deleted on the plus strand (C on the coding strand, the reverse complement: ALX4 is on the minus strand). VCF-style (leftmost placement, unchanged base first): chr11-44275448-AG-A. GRCh37 (hg19) VCF-style: chr11-44296998-AG-A.
Other names: short protein forms L226fs.
Identifiers: ClinVar variation 3776156 (VCV003776156.1).